The following is an entry in ClinVar:

NM_006073.4(TRDN):c.1765C>A (p.Pro589Thr)

Gene: TRDN (triadin; minus strand). Cytogenetic location: 6q22.31.
Variant type: single nucleotide variant.
Coding change: c.1765C>A on transcript NM_006073.4 (MANE Select); coding-DNA position 1765, C replaced by A.
Protein change: p.Pro589Thr; replaces proline 589 with threonine.
Molecular consequence: missense variant.
Genome position (GRCh38, 1-based): chr6:123,267,725, G>T on the plus strand (C>A on the coding strand, the complement: TRDN is on the minus strand). VCF-style: chr6-123267725-G-T. GRCh37 (hg19) VCF-style: chr6-123588870-G-T.
Other names: c.1765C>A (NM_006073.2); short protein forms P589T.
Identifiers: ClinVar variation 355212 (VCV000355212.12), dbSNP rs374035597, ClinGen allele CA3983767.

ClinVar aggregate classification (germline): Uncertain significance. Review status: criteria provided, multiple submitters, no conflicts (2 of 4 stars). 3 submissions from 3 submitters: Uncertain significance (3). Last evaluated 2024-03-11.

Conditions:
Catecholaminergic polymorphic ventricular tachycardia 1. Also called: RYR2-Related Catecholaminergic Polymorphic Ventricular Tachycardia; VENTRICULAR TACHYCARDIA, CATECHOLAMINERGIC POLYMORPHIC, 1, WITH OR WITHOUT ATRIAL DYSFUNCTION AND/OR DILATED CARDIOMYOPATHY; VENTRICULAR TACHYCARDIA, STRESS-INDUCED POLYMORPHIC 1. Identifiers: Orphanet 3286, MedGen C1631597, MONDO:0011484, OMIM 604772.
Catecholaminergic polymorphic ventricular tachycardia 5 (CARDAR). Also called: CARDIAC ARRHYTHMIA SYNDROME, WITH OR WITHOUT SKELETAL MUSCLE WEAKNESS; Ventricular tachycardia, catecholaminergic polymorphic, 5, with or without muscle weakness. Identifiers: Orphanet 3286, MedGen C3809536, MONDO:0014191, OMIM 615441.
Cardiovascular phenotype. Identifiers: MedGen CN230736.

Allele frequency attached by ClinVar (database versions not stated): gnomAD exomes below 0.00001 and 0.00001; gnomAD 0.00001; TOPMed 0.00001; ExAC 0.00004; ESP Exome Variant Server 0.00009.
gnomAD v4.1: 5 of 1,580,840 alleles (0.00032%); highest among the groups gnomAD compares: Non-Finnish European, 0.00026%; no homozygotes.

Submissions (3):

Ambry Genetics
Classification: Uncertain significance for Cardiovascular phenotype. Last evaluated: 2024-03-11. Review status: criteria provided, single submitter. Criteria: Ambry Variant Classification Scheme 2023. Collection method: clinical testing. Allele origin: germline.
Comment: The p.P589T variant (also known as c.1765C>A), located in coding exon 32 of the TRDN gene, results from a C to A substitution at nucleotide position 1765. The proline at codon 589 is replaced by threonine, an amino acid with highly similar properties. This amino acid position is conserved. In addition, this alteration is predicted to be tolerated by in silico analysis. Based on the available evidence, the clinical significance of this alteration remains unclear.

Fulgent Genetics
Classification: Uncertain significance for Catecholaminergic polymorphic ventricular tachycardia 1; Catecholaminergic polymorphic ventricular tachycardia 5. Last evaluated: 2021-10-04. Review status: criteria provided, single submitter. Criteria: ACMG Guidelines, 2015. Collection method: clinical testing. Allele origin: unknown.

Labcorp Genetics (formerly Invitae), Labcorp
Classification: Uncertain significance for Catecholaminergic polymorphic ventricular tachycardia 1. Last evaluated: 2021-09-02. Review status: criteria provided, single submitter. Criteria: Invitae Variant Classification Sherloc (09022015). Collection method: clinical testing. Allele origin: germline.
Comment: This sequence change replaces proline with threonine at codon 589 of the TRDN protein (p.Pro589Thr). The proline residue is weakly conserved and there is a small physicochemical difference between proline and threonine. This variant is present in population databases (rs374035597, ExAC 0.009%). This variant has not been reported in the literature in individuals affected with TRDN-related conditions. ClinVar contains an entry for this variant (Variation ID: 355212). Algorithms developed to predict the effect of missense changes on protein structure and function (SIFT, PolyPhen-2, Align-GVGD) all suggest that this variant is likely to be tolerated. In summary, the available evidence is currently insufficient to determine the role of this variant in disease. Therefore, it has been classified as a Variant of Uncertain Significance.